The following is an entry in ClinVar:

ClinVar aggregate classification (germline): Uncertain significance (1 of 4 stars; one submission).

Conditions:
Hereditary cancer-predisposing syndrome. Also called: Neoplastic Syndromes, Hereditary; Tumor predisposition; Hereditary neoplastic syndrome; Hereditary Cancer Syndrome. Identifiers: Orphanet 140162, MedGen C0027672, MeSH D009386, MONDO:0015356.

Submission:

Ambry Genetics
Classification: Uncertain significance for Hereditary cancer-predisposing syndrome. Last evaluated: 2026-07-25. Review status: criteria provided, single submitter. Criteria: Ambry Variant Classification Scheme 2023. Collection method: clinical testing. Allele origin: germline.
Comment: The p.M254I variant (also known as c.762G>C), located in coding exon 7 of the FANCC gene, results from a G to C substitution at nucleotide position 762. The methionine at codon 254 is replaced by isoleucine, an amino acid with highly similar properties. This amino acid position is conserved. In addition, this alteration is predicted to be tolerated by in silico analysis. Based on the available evidence, the clinical significance of this variant remains unclear.

NM_000136.3(FANCC):c.762G>C (p.Met254Ile)

Genes: AOPEP (aminopeptidase O (putative); plus strand), FANCC (FA complementation group C; minus strand). Cytogenetic location: 9q22.32.
Variant type: single nucleotide variant.
Coding change: c.762G>C on transcript NM_000136.3 (MANE Select); coding-DNA position 762, G replaced by C.
Protein change: p.Met254Ile; replaces methionine 254 with isoleucine.
Molecular consequence: missense variant.
Genome position (GRCh38, 1-based): chr9:95,135,427, C>G on the plus strand (G>C on the coding strand, the complement: FANCC is on the minus strand). VCF-style: chr9-95135427-C-G. GRCh37 (hg19) VCF-style: chr9-97897709-C-G.
Other names: c.762G>C, p.Met254Ile (NM_001243743.2, NM_001243744.2); short protein forms M254I.
Identifiers: ClinVar variation 5036473 (VCV005036473.1).